The following is an entry in ClinVar:

NM_000057.4(BLM):c.3520G>A (p.Gly1174Arg)

Gene: BLM (BLM RecQ like helicase; plus strand). Cytogenetic location: 15q26.1.
Variant type: single nucleotide variant.
Coding change: c.3520G>A on transcript NM_000057.4 (MANE Select); coding-DNA position 3520, G replaced by A.
Protein change: p.Gly1174Arg; replaces glycine 1174 with arginine.
Molecular consequence: missense variant. On other transcripts: intron variant (1).
Genome position (GRCh38, 1-based): chr15:90,803,682, G>A. VCF-style: chr15-90803682-G-A. GRCh37 (hg19) VCF-style: chr15-91346912-G-A.
Other names: c.3520G>A (NM_000057.2); c.3520G>A, p.Gly1174Arg (NM_001287246.2); c.2395G>A, p.Gly799Arg (NM_001287248.2); c.3358+5345G>A (NM_001287247.2); short protein forms G1174R, G799R.
Identifiers: ClinVar variation 569178 (VCV000569178.18), dbSNP rs776156059, ClinGen allele CA7739053.

ClinVar aggregate classification (germline): Uncertain significance. Review status: criteria provided, multiple submitters, no conflicts (2 of 4 stars). 6 submissions from 6 submitters: Uncertain significance (5). 1 of the submissions does not count toward it. Last evaluated 2026-02-03.

Conditions:
Hereditary cancer-predisposing syndrome. Also called: Hereditary neoplastic syndrome; Neoplastic Syndromes, Hereditary; Hereditary Cancer Syndrome; Tumor predisposition. Identifiers: Orphanet 140162, MedGen C0027672, MeSH D009386, MONDO:0015356.
Bloom syndrome (BLM). Also called: Bloom-Torre-Machacek syndrome. Identifiers: Orphanet 125, MedGen C0005859, MONDO:0008876, OMIM 210900.

Allele frequency attached by ClinVar (database versions not stated): gnomAD exomes below 0.00001 and 0.00001; ExAC 0.00001; TOPMed 0.00001.
gnomAD v4.1: 10 of 1,614,064 alleles (0.00062%); highest among the groups gnomAD compares: Admixed American, 0.0017%; no homozygotes.

Submissions (6):

Labcorp Genetics (formerly Invitae), Labcorp
Classification: Uncertain significance for Bloom syndrome. Last evaluated: 2026-02-03. Review status: criteria provided, single submitter. Criteria: Invitae Variant Classification Sherloc (09022015). Collection method: clinical testing. Allele origin: germline.
Comment: This sequence change replaces glycine, which is neutral and non-polar, with arginine, which is basic and polar, at codon 1174 of the BLM protein (p.Gly1174Arg). This variant is present in population databases (rs776156059, gnomAD 0.003%). This missense change has been observed in individual(s) with male breast cancer (PMID: 30613976). ClinVar contains an entry for this variant (Variation ID: 569178). Invitae Evidence Modeling of protein sequence and biophysical properties (such as structural, functional, and spatial information, amino acid conservation, physicochemical variation, residue mobility, and thermodynamic stability) indicates that this missense variant is expected to disrupt BLM protein function with a positive predictive value of 80%. In summary, the available evidence is currently insufficient to determine the role of this variant in disease. Therefore, it has been classified as a Variant of Uncertain Significance.

GeneDx
Classification: Uncertain significance. Last evaluated: 2026-01-20. Review status: criteria provided, single submitter. Criteria: GeneDx Variant Classification Process June 2021. Collection method: clinical testing. Allele origin: germline.
Comment: In silico analysis supports that this missense variant has a deleterious effect on protein structure/function; Not observed at significant frequency in large population cohorts (gnomAD); This variant is associated with the following publications: (PMID: 30613976)

Blueprint Genetics
Classification: Uncertain significance. Last evaluated: 2024-09-13. Review status: criteria provided, single submitter. Criteria: ACMG Guidelines, 2015. Collection method: clinical testing. Allele origin: germline.

ARUP Laboratories, Molecular Genetics and Genomics, ARUP Laboratories
Classification: Uncertain significance for Bloom syndrome. Last evaluated: 2024-04-24. Review status: criteria provided, single submitter. Criteria: ARUP Molecular Germline Variant Investigation Process 2024. Collection method: clinical testing. Allele origin: germline.

Ambry Genetics
Classification: Uncertain significance for Hereditary cancer-predisposing syndrome. Last evaluated: 2024-01-30. Review status: criteria provided, single submitter. Criteria: Ambry Variant Classification Scheme 2023. Collection method: clinical testing. Allele origin: germline.
Comment: The p.G1174R variant (also known as c.3520G>A), located in coding exon 17 of the BLM gene, results from a G to A substitution at nucleotide position 3520. The glycine at codon 1174 is replaced by arginine, an amino acid with dissimilar properties. This amino acid position is highly conserved in available vertebrate species. In addition, this alteration is predicted to be deleterious by in silico analysis. Based on the available evidence, the clinical significance of this alteration remains unclear.

Natera, Inc.
Classification: Uncertain significance for Bloom syndrome. Last evaluated: 2018-07-06. Review status: no assertion criteria provided. Collection method: clinical testing. Allele origin: germline. Not counted in ClinVar's aggregate classification.

Literature cited by the submitters: PubMed 30613976 (cited by Labcorp Genetics (formerly Invitae), Labcorp).